The following is an entry in ClinVar:

NM_000038.6(APC):c.422+1210A>G

Gene: APC (APC regulator of WNT signaling pathway; plus strand). Cytogenetic location: 5q22.2.
Variant type: single nucleotide variant.
Coding change: c.422+1210A>G on transcript NM_000038.6 (MANE Select); 1210 bases into the intron after coding-DNA position 422, A replaced by G.
Molecular consequence: intron variant.
Genome position (GRCh38, 1-based): chr5:112,768,600, A>G. VCF-style: chr5-112768600-A-G. GRCh37 (hg19) VCF-style: chr5-112104297-A-G.
Other names: c.422+1210A>G (NM_001354895.2, NM_001127510.3, NM_001354896.2 and 2 more transcripts); c.452+1210A>G (NM_001354897.2, NM_001354902.2, NM_001127511.3); c.347+1210A>G (NM_001354898.2, NM_001354904.2); c.-614+1210A>G (NM_001354906.2); c.245+1210A>G (NM_001354900.2, NM_001354901.2, NM_001354905.2).
Identifiers: ClinVar variation 82880 (VCV000082880.2), dbSNP rs35414976, ClinGen allele CA009005.

ClinVar aggregate classification (germline): other (0 of 4 stars; one submission).

Conditions:
Familial colorectal cancer. Identifiers: MedGen CN280943, MONDO:0023113. Disease mechanism: loss of function.

Allele frequency attached by ClinVar (database versions not stated): gnomAD 0.39331 and 0.40569; TOPMed 0.40983; 1000 Genomes Project 30x 0.43442; 1000 Genomes Project 0.43830.
gnomAD v4.1: 61,590 of 151,400 alleles (41%); highest among the groups gnomAD compares: East Asian, 66%; 14,846 homozygotes.

Submission:

Systems Biology Platform Zhejiang California International NanoSystems Institute
Classification: other for Familial colorectal cancer. Review status: no assertion criteria provided. Collection method: not provided. Allele origin: unknown.
ClinVar note: Converted during submission from cancer to other.